The following is an entry in ClinVar:

ClinVar aggregate classification (germline): Likely pathogenic (1 of 4 stars; one submission).

Conditions:
Lethal Kniest-like syndrome (DDSH). Also called: Dyssegmental Dysplasia. Identifiers: Orphanet 1865, MedGen C1857100, MONDO:0009140, OMIM 224410.
Schwartz-Jampel syndrome type 1 (SJS1). Also called: MYOTONIC MYOPATHY, DWARFISM, CHONDRODYSTROPHY, AND OCULAR AND FACIAL ABNORMALITIES; CHONDRODYSTROPHIC MYOTONIA. Identifiers: MedGen C4551479, MONDO:0100435, OMIM 255800.

Submission:

Obstetrics Unit, Tongji Hospital, Huazhong University of Science and Technology
Classification: Likely pathogenic for Lethal Kniest-like syndrome; Schwartz-Jampel syndrome type 1. Last evaluated: 2024-12-25. Review status: criteria provided, single submitter. Criteria: ACMG Guidelines, 2015. Collection method: clinical testing. Allele origin: maternal. Affected: yes.
Comment: HSPG2:NM_005529.7:exon41:c.5112del;p,H1706T/*68 variant:Possibly Pathogenic (PVSI+PM2)Evidence of Very Strong Pathogenicity PVS1:This variant causes an alteration in the open reading frame of the gene, resulting in altered protein function; Evidence of Moderate Pathogenicity PM2:This variant is not detected in the Divine Genome Database (SGDB), the Human Exome Database (ExAC), the reference population 1000 Genomes (1000G) and the Population Genome Mutation Frequency Database (gmomnAD).

NM_005529.7(HSPG2):c.5112del (p.His1706fs)

Gene: HSPG2 (heparan sulfate proteoglycan 2; minus strand). Cytogenetic location: 1p36.12.
Variant type: Deletion.
Coding change: c.5112del on transcript NM_005529.7 (MANE Select); coding-DNA position 5112, one base deleted (A; older notation c.5112delA).
Protein change: p.His1706fs; shifts the reading frame from histidine 1706.
Molecular consequence: frameshift variant.
Genome position (GRCh38, 1-based): chr1:21,859,905, T deleted on the plus strand (A on the coding strand, the reverse complement: HSPG2 is on the minus strand). VCF-style (leftmost placement, unchanged base first): chr1-21859904-GT-G. GRCh37 (hg19) VCF-style: chr1-22186397-GT-G.
Other names: c.5115del, p.His1707fs (NM_001291860.2); short protein forms H1706fs, H1707fs.
Identifiers: ClinVar variation 3600345 (VCV003600345.1).